The following is an entry in ClinVar:

NM_001111.5(ADAR):c.2798A>G (p.Gln933Arg)

Gene: ADAR (adenosine deaminase RNA specific; minus strand). Cytogenetic location: 1q21.3.
Variant type: single nucleotide variant.
Coding change: c.2798A>G on transcript NM_001111.5 (MANE Select); coding-DNA position 2798, A replaced by G.
Protein change: p.Gln933Arg; replaces glutamine 933 with arginine.
Molecular consequence: missense variant.
Genome position (GRCh38, 1-based): chr1:154,588,638, T>C on the plus strand (A>G on the coding strand, the complement: ADAR is on the minus strand). VCF-style: chr1-154588638-T-C. GRCh37 (hg19) VCF-style: chr1-154561114-T-C.
Other names: c.1913A>G, p.Gln638Arg (NM_001025107.3, NM_001193495.2, NM_001365046.1 and 2 more transcripts); c.2825A>G, p.Gln942Arg (NM_001365045.1); c.1835A>G, p.Gln612Arg (NM_001365049.1); c.2720A>G, p.Gln907Arg (NM_015840.4); c.2663A>G, p.Gln888Arg (NM_015841.4); short protein forms Q612R, Q638R, Q888R, Q907R, Q933R, Q942R.
Identifiers: ClinVar variation 1010200 (VCV001010200.8), dbSNP rs1696924755, ClinGen allele CA342636423.

ClinVar aggregate classification (germline): Uncertain significance (1 of 4 stars; one submission).

Conditions:
Aicardi-Goutieres syndrome 6 (AGS6). Identifiers: Orphanet 51, MedGen C3539013, MONDO:0014007, OMIM 615010.
Symmetrical dyschromatosis of extremities (DSH). Also called: RETICULATE ACROPIGMENTATION OF DOHI; SYMMETRIC DYSCHROMATOSIS OF THE EXTREMITIES; Dyschromatosis symmetrica hereditaria; DYSCHROMATOSIS SYMMETRICA HEREDITARIA 1. Identifiers: Orphanet 41, MedGen C0406775, MONDO:0007483, OMIM 127400.

Submission:

Labcorp Genetics (formerly Invitae), Labcorp
Classification: Uncertain significance for Aicardi-Goutieres syndrome 6; Symmetrical dyschromatosis of extremities. Last evaluated: 2020-08-15. Review status: criteria provided, single submitter. Criteria: Invitae Variant Classification Sherloc (09022015). Collection method: clinical testing. Allele origin: germline.
Comment: This sequence change replaces glutamine with arginine at codon 933 of the ADAR protein (p.Gln933Arg). The glutamine residue is weakly conserved and there is a small physicochemical difference between glutamine and arginine. This variant is not present in population databases (ExAC no frequency). This variant has not been reported in the literature in individuals with ADAR-related conditions. Algorithms developed to predict the effect of missense changes on protein structure and function (SIFT, PolyPhen-2, Align-GVGD) all suggest that this variant is likely to be tolerated, but these predictions have not been confirmed by published functional studies and their clinical significance is uncertain. In summary, the available evidence is currently insufficient to determine the role of this variant in disease. Therefore, it has been classified as a Variant of Uncertain Significance.